The following is an entry in ClinVar:

NM_000287.4(PEX6):c.1500del (p.Cys500fs)

Gene: PEX6 (peroxisomal biogenesis factor 6; minus strand). Cytogenetic location: 6p21.1.
Variant type: Deletion.
Coding change: c.1500del on transcript NM_000287.4 (MANE Select); coding-DNA position 1500, one base deleted (T; older notation c.1500delT).
Protein change: p.Cys500fs; shifts the reading frame from cysteine 500.
Molecular consequence: frameshift variant. On other transcripts: non-coding transcript variant (1).
Genome position (GRCh38, 1-based): chr6:42,968,478, A deleted on the plus strand (T on the coding strand, the reverse complement: PEX6 is on the minus strand). VCF-style (leftmost placement, unchanged base first): chr6-42968477-CA-C. GRCh37 (hg19) VCF-style: chr6-42936215-CA-C.
Other names: c.1236del, p.Cys412fs (NM_001316313.2); short protein forms C412fs, C500fs.
Identifiers: ClinVar variation 5015528 (VCV005015528.1).

ClinVar aggregate classification (germline): Pathogenic (1 of 4 stars; one submission).

Conditions:
Peroxisome biogenesis disorder. Identifiers: Orphanet 79189, MedGen C1832200, MONDO:0019234. Disease mechanism: loss of function.

Submission:

Myriad Genetics, Inc.
Classification: Pathogenic for Peroxisome biogenesis disorder. Last evaluated: 2026-02-09. Review status: criteria provided, single submitter. Criteria: Myriad Autosomal Dominant, Autosomal Recessive and X-Linked Classification Criteria (2023). Collection method: clinical testing. Allele origin: unknown.
Comment: NM_000287.3(PEX6):c.1500delT(C500Wfs*48) is expected to be pathogenic in the context of peroxisome biogenesis disorder type 4. This variant is predicted to lead to an abnormal or absent protein product due to the creation of a premature termination codon in PEX6, a gene where loss-of-function variants are known to be pathogenic. Please note: this variant was assessed in the context of healthy population screening.